The following is an entry in ClinVar:

ClinVar aggregate classification (germline): Conflicting classifications of pathogenicity. Review status: criteria provided, conflicting classifications (1 of 4 stars). 4 submissions from 4 submitters: Likely pathogenic (3); Uncertain significance (1). Last evaluated 2026-06-24.

Conditions:
Polycystic kidney disease, adult type (PKD1). Also called: Polycystic Kidney, Autosomal Dominant; POLYCYSTIC KIDNEY DISEASE, ADULT, TYPE I; Polycystic Kidney Disease 1, Autosomal Dominant; Polycystic kidney disease 1; Polycystic kidney disease 1, severe; POLYCYSTIC KIDNEY DISEASE 1 WITH OR WITHOUT POLYCYSTIC LIVER DISEASE. Identifiers: MedGen C3149841, MONDO:0008263, OMIM 173900.

Submissions (4):

Women's Health and Genetics/Laboratory Corporation of America, LabCorp
Classification: Likely pathogenic for Polycystic kidney disease, adult type. Last evaluated: 2026-06-24. Review status: criteria provided, single submitter. Criteria: LabCorp Variant Classification Summary - May 2015. Collection method: clinical testing. Allele origin: germline.
Comment: Variant summary: PKD1 c.9154G>C (p.Gly3052Arg) results in a non-conservative amino acid change in the encoded protein sequence. Algorithms developed to predict the effect of missense changes on protein structure and function all suggest that this variant is likely to be disruptive. The variant was absent in 155210 control chromosomes (gnomAD). c.9154G>C has been observed in at least two heterozygous individuals affected with Autosomal Dominant Polycystic Kidney Disease (Audrzet_2012, Hwang_2016). These data indicate that the variant may be associated with disease. At least one publication reports experimental evidence showing that p.Gly3052Arg retains PC1 ciliary localization but disrupts polycystin channel function in engineered cell-based assays (Ha_2026). The following publications have been ascertained in the context of this evaluation (PMID: 22508176, 41665965, 26453610, 35522707). ClinVar contains an entry for this variant (Variation ID: 3549808). Based on the evidence outlined above, the variant was classified as likely pathogenic.

Institute of Human Genetics, University of Leipzig Medical Center
Classification: Likely pathogenic for Polycystic kidney disease, adult type. Last evaluated: 2024-12-05. Review status: criteria provided, single submitter. Criteria: ACMG Guidelines, 2015. Collection method: clinical testing. Allele origin: unknown. Inheritance: Autosomal dominant inheritance. Affected: yes.
Comment: Criteria applied: PM2,PS4_SUP,PM1_SUP,PP3,PP4

Fulgent Genetics
Classification: Likely pathogenic for Polycystic kidney disease, adult type. Last evaluated: 2024-05-03. Review status: criteria provided, single submitter. Criteria: ACMG Guidelines, 2015. Collection method: clinical testing. Allele origin: germline.

Department of Pathology and Laboratory Medicine, Sinai Health System
Classification: Uncertain significance for Polycystic kidney disease, adult type. Last evaluated: 2023-12-15. Review status: criteria provided, single submitter. Criteria: ACMG Guidelines, 2015. Collection method: clinical testing. Allele origin: germline. Affected: yes.

Literature cited by the submitters: PubMed 26453610 (cited by Women's Health and Genetics/Laboratory Corporation of America, LabCorp); PubMed 22508176 (cited by Women's Health and Genetics/Laboratory Corporation of America, LabCorp); PubMed 35522707 (cited by Women's Health and Genetics/Laboratory Corporation of America, LabCorp); PubMed 41665965 (cited by Women's Health and Genetics/Laboratory Corporation of America, LabCorp).

NM_001009944.3(PKD1):c.9154G>C (p.Gly3052Arg)

Gene: PKD1 (polycystin 1, transient receptor potential channel interacting; minus strand). Cytogenetic location: 16p13.3.
Variant type: single nucleotide variant.
Coding change: c.9154G>C on transcript NM_001009944.3 (MANE Select); coding-DNA position 9154, G replaced by C.
Protein change: p.Gly3052Arg; replaces glycine 3052 with arginine.
Molecular consequence: missense variant.
Genome position (GRCh38, 1-based): chr16:2,102,428, C>G on the plus strand (G>C on the coding strand, the complement: PKD1 is on the minus strand). VCF-style: chr16-2102428-C-G. GRCh37 (hg19) VCF-style: chr16-2152429-C-G.
Other names: c.9154G>C, p.Gly3052Arg (NM_000296.4); short protein forms G3052R.
Identifiers: ClinVar variation 3549808 (VCV003549808.5).